The following is an entry in ClinVar:

NM_032043.3(BRIP1):c.2794G>C (p.Glu932Gln)

Gene: BRIP1 (BRCA1 interacting DNA helicase 1; minus strand). Cytogenetic location: 17q23.2.
Variant type: single nucleotide variant.
Coding change: c.2794G>C on transcript NM_032043.3 (MANE Select); coding-DNA position 2794, G replaced by C.
Protein change: p.Glu932Gln; replaces glutamic acid 932 with glutamine.
Molecular consequence: missense variant.
Genome position (GRCh38, 1-based): chr17:61,685,947, C>G on the plus strand (G>C on the coding strand, the complement: BRIP1 is on the minus strand). VCF-style: chr17-61685947-C-G. GRCh37 (hg19) VCF-style: chr17-59763308-C-G.
Other names: short protein forms E932Q.
Identifiers: ClinVar variation 1691986 (VCV001691986.1), dbSNP rs2144111043, ClinGen allele CA400481521.

ClinVar aggregate classification (germline): Uncertain significance (1 of 4 stars; one submission).

Conditions:
Hereditary cancer-predisposing syndrome. Also called: Hereditary Cancer Syndrome; Hereditary neoplastic syndrome; Neoplastic Syndromes, Hereditary; Tumor predisposition. Identifiers: Orphanet 140162, MedGen C0027672, MeSH D009386, MONDO:0015356.

Submission:

Sema4
Classification: Uncertain significance for Hereditary cancer-predisposing syndrome. Last evaluated: 2022-01-06. Review status: criteria provided, single submitter. Criteria: Sema4 Curation Guidelines. Collection method: curation. Allele origin: germline.
Comment: The BRIP1 c.2794G>C (p.E932Q) variant has not been reported in the literature to our knowledge. It was not observed in the large and broad cohorts of the Genome Aggregation Database (PMID: 32461654). This variant has not been reported in ClinVar. Functional studies have not been performed, and in silico predictions of the variant's effect on protein function are inconclusive. The evidence is insufficient to meet ACMG/AMP criteria for classifying the variant as benign or pathogenic. Thus, the clinical significance of this variant is currently uncertain.